The following is an entry in ClinVar:

ClinVar aggregate classification (germline): Uncertain significance (1 of 4 stars; one submission).

Conditions:
Immunodeficiency, common variable, 7. Identifiers: Orphanet 1572, Orphanet 696894, MedGen C3542922, MONDO:0013862, OMIM 614699.

gnomAD v4.1: 1 of 1,612,374 alleles (0.000062%); highest among the groups gnomAD compares: South Asian, 0.0011%; no homozygotes.

Submission:

Labcorp Genetics (formerly Invitae), Labcorp
Classification: Uncertain significance for Immunodeficiency, common variable, 7. Last evaluated: 2025-08-03. Review status: criteria provided, single submitter. Criteria: Invitae Variant Classification Sherloc (09022015). Collection method: clinical testing. Allele origin: germline.
Comment: This sequence change replaces alanine, which is neutral and non-polar, with glutamic acid, which is acidic and polar, at codon 1041 of the CR2 protein (p.Ala1041Glu). This variant is not present in population databases (gnomAD no frequency). This variant has not been reported in the literature in individuals affected with CR2-related conditions. An algorithm developed to predict the effect of missense changes on protein structure and function (PolyPhen-2) suggests that this variant is likely to be disruptive. In summary, the available evidence is currently insufficient to determine the role of this variant in disease. Therefore, it has been classified as a Variant of Uncertain Significance.

NM_001006658.3(CR2):c.3122C>A (p.Ala1041Glu)

Gene: CR2 (complement C3d receptor 2; plus strand). Cytogenetic location: 1q32.2.
Variant type: single nucleotide variant.
Coding change: c.3122C>A on transcript NM_001006658.3 (MANE Select); coding-DNA position 3122, C replaced by A.
Protein change: p.Ala1041Glu; replaces alanine 1041 with glutamic acid.
Molecular consequence: missense variant.
Genome position (GRCh38, 1-based): chr1:207,479,987, C>A. VCF-style: chr1-207479987-C-A. GRCh37 (hg19) VCF-style: chr1-207653332-C-A.
Other names: c.2945C>A, p.Ala982Glu (NM_001877.5); short protein forms A982E, A1041E.
Identifiers: ClinVar variation 4724735 (VCV004724735.1).